The following is an entry in ClinVar:

NM_006947.4(SRP72):c.1627C>T (p.Pro543Ser)

Gene: SRP72 (signal recognition particle 72; plus strand). Cytogenetic location: 4q12.
Variant type: single nucleotide variant.
Coding change: c.1627C>T on transcript NM_006947.4 (MANE Select); coding-DNA position 1627, C replaced by T.
Protein change: p.Pro543Ser; replaces proline 543 with serine.
Molecular consequence: missense variant. On other transcripts: non-coding transcript variant (1).
Genome position (GRCh38, 1-based): chr4:56,491,555, C>T. VCF-style: chr4-56491555-C-T. GRCh37 (hg19) VCF-style: chr4-57357721-C-T.
Other names: c.1444C>T, p.Pro482Ser (NM_001267722.2); short protein forms P482S, P543S.
Identifiers: ClinVar variation 3801507 (VCV003801507.1).

ClinVar aggregate classification (germline): Uncertain significance (1 of 4 stars; one submission).

gnomAD v4.1: 1 of 1,613,550 alleles (0.000062%); highest among the groups gnomAD compares: Non-Finnish European, 0.000085%; no homozygotes.

Submission:

Ambry Genetics
Classification: Uncertain significance. Last evaluated: 2025-03-01. Review status: criteria provided, single submitter. Criteria: Ambry Variant Classification Scheme 2023. Collection method: clinical testing. Allele origin: germline.
Comment: The p.P543S variant (also known as c.1627C>T), located in coding exon 16 of the SRP72 gene, results from a C to T substitution at nucleotide position 1627. The proline at codon 543 is replaced by serine, an amino acid with similar properties. This amino acid position is conserved. In addition, this alteration is predicted to be tolerated by in silico analysis. Based on the available evidence, the clinical significance of this variant remains unclear.